The following is an entry in ClinVar:

NM_177438.3(DICER1):c.2041-43C>T

Gene: DICER1 (dicer 1, ribonuclease III; minus strand). Cytogenetic location: 14q32.13.
Variant type: single nucleotide variant.
Coding change: c.2041-43C>T on transcript NM_177438.3 (MANE Select); 43 bases into the intron before coding-DNA position 2041, C replaced by T.
Molecular consequence: intron variant.
Genome position (GRCh38, 1-based): chr14:95,112,290, G>A on the plus strand (C>T on the coding strand, the complement: DICER1 is on the minus strand). VCF-style: chr14-95112290-G-A. GRCh37 (hg19) VCF-style: chr14-95578627-G-A.
Other names: c.2041-43C>T (NM_001291628.2, NM_030621.4, NM_001395677.1 and 12 more transcripts); c.1636-43C>T (NM_001395690.1, NM_001395687.1, NM_001395689.1 and 3 more transcripts); c.1759-43C>T (NM_001395686.1); c.1474-43C>T (NM_001395691.1); c.358-43C>T (NM_001395697.1).
Identifiers: ClinVar variation 4539138 (VCV004539138.1).

ClinVar aggregate classification (germline): Likely benign (1 of 4 stars; one submission).

gnomAD v4.1: 5 of 1,494,956 alleles (0.00033%); highest among the groups gnomAD compares: Non-Finnish European, 0.00047%; no homozygotes.

Submission:

Center for Genomic Medicine, Rigshospitalet, Copenhagen University Hospital
Classification: Likely benign. Last evaluated: 2025-12-29. Review status: criteria provided, single submitter. Criteria: ACMG Guidelines, 2015. Collection method: clinical testing. Allele origin: germline.
Comment: Classification criteria: BP4, BP7